The following is an entry in ClinVar:

ClinVar aggregate classification (germline): Uncertain significance (1 of 4 stars; one submission).

Conditions:
Familial thoracic aortic aneurysm and aortic dissection (TAAD). Also called: Thoracic aortic aneurysms and dissections. Identifiers: Orphanet 91387, MedGen C4707243, MONDO:0019625.

Submission:

Color Diagnostics, LLC DBA Color Health
Classification: Uncertain significance for Familial thoracic aortic aneurysm and aortic dissection. Last evaluated: 2019-02-21. Review status: criteria provided, single submitter. Criteria: ACMG Guidelines, 2015. Collection method: clinical testing. Allele origin: germline.
Comment: Variant of Uncertain Significance due to insufficient evidence: This missense variant replaces arginine with glycine at codon 364 of the FBN1 protein. Computational prediction tools and conservation analyses suggest that this variant may have deleterious impact on the protein function. Computational splicing tools suggest that this variant may not impact RNA splicing. To our knowledge, functional assays have not been performed for this variant nor has this variant been reported in individuals affected with cardiovascular disorders in the literature. This variant is rare in the general population and has been identified in 0/277264 chromosomes by the Genome Aggregation Database (gnomAD). Available evidence is insufficient to determine the role of this variant in disease conclusively.

NM_000138.5(FBN1):c.1090C>G (p.Arg364Gly)

Genes: FBN1 (fibrillin 1; minus strand), LOC113939944 (Sharpr-MPRA regulatory region 9539; plus strand). Cytogenetic location: 15q21.1.
Variant type: single nucleotide variant.
Coding change: c.1090C>G on transcript NM_000138.5 (MANE Select); coding-DNA position 1090, C replaced by G.
Protein change: p.Arg364Gly; replaces arginine 364 with glycine.
Molecular consequence: missense variant.
Genome position (GRCh38, 1-based): chr15:48,520,716, G>C on the plus strand (C>G on the coding strand, the complement: FBN1 is on the minus strand). VCF-style: chr15-48520716-G-C. GRCh37 (hg19) VCF-style: chr15-48812913-G-C.
Other names: short protein forms R364G.
Identifiers: ClinVar variation 920432 (VCV000920432.3), dbSNP rs794728165, ClinGen allele CA392347425.
Genomic context (GRCh38, chr15:48,520,716, plus strand): 5'-TACCGGTTGCTCTGATGGGACACATCTCAGGGGCGACAGTGACCCCTGGAGACCAGCATC[G>C]GCCGGCATCACAGCAGCACTGCATTTTGGTTATGGACTGTGGCAGCTGGTTAGAGCAGCG-3'
Protein context (NP_000129.3, residues 354-374): TKMQCCCDAG[Arg364Gly]CWSPGVTVAP